The following is an entry in ClinVar:

NM_001267550.2(TTN):c.78598A>T (p.Arg26200Ter)

Genes: TTN-AS1 (TTN antisense RNA 1; plus strand), TTN (titin; minus strand). Cytogenetic location: 2q31.2.
Variant type: single nucleotide variant.
Coding change: c.78598A>T on transcript NM_001267550.2 (MANE Select); coding-DNA position 78598, A replaced by T.
Protein change: p.Arg26200Ter; replaces arginine 26200 with a stop codon.
Molecular consequence: nonsense.
Genome position (GRCh38, 1-based): chr2:178,567,534, T>A on the plus strand (A>T on the coding strand, the complement: TTN is on the minus strand). VCF-style: chr2-178567534-T-A. GRCh37 (hg19) VCF-style: chr2-179432261-T-A.
Other names: c.73675A>T, p.Arg24559Ter (NM_001256850.1); c.51403A>T, p.Arg17135Ter (NM_003319.4); c.70894A>T, p.Arg23632Ter (NM_133378.4); c.51778A>T, p.Arg17260Ter (NM_133432.3); c.51979A>T, p.Arg17327Ter (NM_133437.4); short protein forms R23632*, R24559*, R17327*, R17135*, R17260*, R26200*.
Identifiers: ClinVar variation 4786878 (VCV004786878.1).

ClinVar aggregate classification (germline): Likely pathogenic (1 of 4 stars; one submission).

Conditions:
Autosomal recessive limb-girdle muscular dystrophy type 2J (LGMDR10). Also called: Limb-girdle muscular dystrophy, type 2J; MUSCULAR DYSTROPHY, LIMB-GIRDLE, AUTOSOMAL RECESSIVE 10. Identifiers: Orphanet 140922, MedGen C1837342, MONDO:0012127, OMIM 608807.
Dilated cardiomyopathy 1G (CMD1G). Identifiers: Orphanet 154, MedGen C1858763, MONDO:0011400, OMIM 604145.

Submission:

Labcorp Genetics (formerly Invitae), Labcorp
Classification: Likely pathogenic for Dilated cardiomyopathy 1G; Autosomal recessive limb-girdle muscular dystrophy type 2J. Last evaluated: 2026-01-19. Review status: criteria provided, single submitter. Criteria: Invitae Variant Classification Sherloc (09022015). Collection method: clinical testing. Allele origin: germline.
Comment: This sequence change creates a premature translational stop signal (p.Arg26200*) in the TTN gene. While this is not anticipated to result in nonsense mediated decay, it is expected to create a truncated TTN protein. This variant is not present in population databases (gnomAD no frequency). This premature translational stop signal has been observed in individual(s) with dilated cardiomyopathy (internal data). This variant is located in the A band of TTN (PMID: 25589632). Truncating variants in this region are significantly overrepresented in patients affected with dilated cardiomyopathy (PMID: 25589632). Truncating variants in this region have also been reported in individuals affected with autosomal recessive centronuclear myopathy (PMID: 23975875). In summary, the currently available evidence indicates that the variant is pathogenic, but additional data are needed to prove that conclusively. Therefore, this variant has been classified as Likely Pathogenic.

Literature cited by the submitters: PubMed 25589632; PubMed 23975875.